The following is an entry in ClinVar:

NM_020297.4(ABCC9):c.1164+4T>C

Gene: ABCC9 (ATP binding cassette subfamily C member 9; minus strand). Cytogenetic location: 12p12.1.
Variant type: single nucleotide variant.
Coding change: c.1164+4T>C on transcript NM_020297.4 (MANE Select); 4 bases into the intron after coding-DNA position 1164, T replaced by C.
Molecular consequence: intron variant.
Genome position (GRCh38, 1-based): chr12:21,910,822, A>G on the plus strand (T>C on the coding strand, the complement: ABCC9 is on the minus strand). VCF-style: chr12-21910822-A-G. GRCh37 (hg19) VCF-style: chr12-22063756-A-G.
Other names: c.300+4T>C (NM_001377274.1); c.1164+4T>C (NM_005691.4, NM_001377273.1).
Identifiers: ClinVar variation 1436998 (VCV001436998.8), dbSNP rs201001352, ClinGen allele CA233609736.

ClinVar aggregate classification (germline): Uncertain significance. Review status: criteria provided, multiple submitters, no conflicts (2 of 4 stars). 2 submissions from 2 submitters: Uncertain significance (2). Last evaluated 2025-08-06.

Conditions:
Dilated cardiomyopathy 1O (CMD1O). Also called: CARDIOMYOPATHY, DILATED, WITH VENTRICULAR TACHYCARDIA. Identifiers: Orphanet 154, MedGen C1837839, MONDO:0012062, OMIM 608569.
Cardiovascular phenotype. Identifiers: MedGen CN230736.

Allele frequency attached by ClinVar (database versions not stated): gnomAD exomes 0.00001.

Submissions (2):

Labcorp Genetics (formerly Invitae), Labcorp
Classification: Uncertain significance for Dilated cardiomyopathy 1O. Last evaluated: 2025-08-06. Review status: criteria provided, single submitter. Criteria: Invitae Variant Classification Sherloc (09022015). Collection method: clinical testing. Allele origin: germline.
Comment: This sequence change falls in intron 7 of the ABCC9 gene. It does not directly change the encoded amino acid sequence of the ABCC9 protein. It affects a nucleotide within the consensus splice site. This variant is present in population databases (rs201001352, gnomAD 0.002%). This variant has not been reported in the literature in individuals affected with ABCC9-related conditions. ClinVar contains an entry for this variant (Variation ID: 1436998). Variants that disrupt the consensus splice site are a relatively common cause of aberrant splicing (PMID: 17576681, 9536098). Algorithms developed to predict the effect of sequence changes on RNA splicing suggest that this variant is not likely to affect RNA splicing. In summary, the available evidence is currently insufficient to determine the role of this variant in disease. Therefore, it has been classified as a Variant of Uncertain Significance.

Ambry Genetics
Classification: Uncertain significance for Cardiovascular phenotype. Last evaluated: 2022-09-12. Review status: criteria provided, single submitter. Criteria: Ambry Variant Classification Scheme 2023. Collection method: clinical testing. Allele origin: germline.
Comment: The c.1164+4T>C intronic variant results from a T to C substitution 4 nucleotides after coding exon 7 in the ABCC9 gene. This nucleotide position is poorly conserved in available vertebrate species. In silico splice site analysis predicts that this alteration will not have any significant effect on splicing. Since supporting evidence is limited at this time, the clinical significance of this alteration remains unclear.

Literature cited by the submitters: PubMed 17576681 (cited by Labcorp Genetics (formerly Invitae), Labcorp); PubMed 9536098 (cited by Labcorp Genetics (formerly Invitae), Labcorp).